The following is an entry in ClinVar:

ClinVar aggregate classification (germline): Pathogenic (1 of 4 stars; one submission).

Conditions:
Arthrogryposis, renal dysfunction, and cholestasis 1 (ARCS1). Identifiers: Orphanet 2697, MedGen C1859722, MONDO:0008822, OMIM 208085.

Submission:

Daryl Scott Lab, Baylor College of Medicine
Classification: Pathogenic for Arthrogryposis, renal dysfunction, and cholestasis 1. Last evaluated: 2024-01-01. Review status: criteria provided, single submitter. Criteria: ACMG Guidelines, 2015. Collection method: clinical testing. Allele origin: paternal. Observed: 1 heterozygote.
Comment: PVS1, PM2

NM_018668.5(VPS33B):c.290-2_291del

Gene: VPS33B (VPS33B late endosome and lysosome associated; minus strand). Cytogenetic location: 15q26.1.
Variant type: Deletion.
Coding change: c.290-2_291del on transcript NM_018668.5 (MANE Select); the canonical splice acceptor site of the intron before coding-DNA position 290 through coding-DNA position 291, 4 bases deleted (AGGT; older notation c.290-2_291delAGGT).
Molecular consequence: splice acceptor variant.
Genome position (GRCh38, 1-based): chr15:91,013,870-91,013,873, ACCT deleted on the plus strand (AGGT on the coding strand, the reverse complement: VPS33B is on the minus strand); deleting any 4 consecutive bases within chr15:91,013,870-91,013,875 gives the same sequence; the c. name uses the placement nearest the transcript's 3' end. VCF-style (leftmost placement, unchanged base first): chr15-91013869-GACCT-G. GRCh37 (hg19) VCF-style: chr15-91557099-GACCT-G.
Other names: c.209-2_210del (NM_001289148.1); c.17-2_18del (NM_001289149.1).
Identifiers: ClinVar variation 3764590 (VCV003764590.1).